The following is an entry in ClinVar:

NM_001145715.3(KPNA7):c.586A>T (p.Thr196Ser)

Gene: KPNA7 (karyopherin subunit alpha 7; minus strand). Cytogenetic location: 7q22.1.
Variant type: single nucleotide variant.
Coding change: c.586A>T on transcript NM_001145715.3 (MANE Select); coding-DNA position 586, A replaced by T.
Protein change: p.Thr196Ser; replaces threonine 196 with serine.
Molecular consequence: missense variant.
Genome position (GRCh38, 1-based): chr7:99,193,069, T>A on the plus strand (A>T on the coding strand, the complement: KPNA7 is on the minus strand). VCF-style: chr7-99193069-T-A. GRCh37 (hg19) VCF-style: chr7-98790692-T-A.
Other names: short protein forms T196S.
Identifiers: ClinVar variation 2087044 (VCV002087044.4), dbSNP rs2535504128, ClinGen allele CA368420226.

ClinVar aggregate classification (germline): Uncertain significance (1 of 4 stars; one submission).

Submission:

Labcorp Genetics (formerly Invitae), Labcorp
Classification: Uncertain significance. Last evaluated: 2022-01-17. Review status: criteria provided, single submitter. Criteria: Invitae Variant Classification Sherloc (09022015). Collection method: clinical testing. Allele origin: germline.
Comment: This sequence change replaces threonine, which is neutral and polar, with serine, which is neutral and polar, at codon 196 of the KPNA7 protein (p.Thr196Ser). This variant is not present in population databases (gnomAD no frequency). This variant has not been reported in the literature in individuals affected with KPNA7-related conditions. Algorithms developed to predict the effect of missense changes on protein structure and function output the following: SIFT: "Tolerated"; PolyPhen-2: "Benign"; Align-GVGD: "Class C0". The serine amino acid residue is found in multiple mammalian species, which suggests that this missense change does not adversely affect protein function. In summary, the available evidence is currently insufficient to determine the role of this variant in disease. Therefore, it has been classified as a Variant of Uncertain Significance.